The following is an entry in ClinVar:

NM_001077350.3(NPRL3):c.1488A>G (p.Ala496=)

Genes: HBA-LCR (alpha-globin locus control region; plus strand), NPRL3 (NPR3 like, GATOR1 complex subunit; minus strand). Cytogenetic location: 16p13.3.
Variant type: single nucleotide variant.
Coding change: c.1488A>G on transcript NM_001077350.3 (MANE Select); coding-DNA position 1488, A replaced by G.
Protein change: p.Ala496=; no amino-acid change (alanine 496 retained).
Molecular consequence: synonymous variant.
Genome position (GRCh38, 1-based): chr16:88,754, T>C on the plus strand (A>G on the coding strand, the complement: NPRL3 is on the minus strand). VCF-style: chr16-88754-T-C. GRCh37 (hg19) VCF-style: chr16-138753-T-C.
Other names: c.951A>G, p.Ala317= (NM_001039476.3); c.1254A>G, p.Ala418= (NM_001243247.2); c.1413A>G, p.Ala471= (NM_001243248.2, NM_001243249.2).
Identifiers: ClinVar variation 1700553 (VCV001700553.2), dbSNP rs751820088, ClinGen allele CA7769309.

ClinVar aggregate classification (germline): Uncertain significance (1 of 4 stars; one submission).

Allele frequency attached by ClinVar (database versions not stated): gnomAD exomes below 0.00001; ExAC 0.00001; gnomAD 0.00001.
gnomAD v4.1: 1 of 1,613,586 alleles (0.000062%); highest among the groups gnomAD compares: Admixed American, 0.0017%; no homozygotes.

Submission:

GeneDx
Classification: Uncertain significance. Last evaluated: 2022-02-02. Review status: criteria provided, single submitter. Criteria: GeneDx Variant Classification Process June 2021. Collection method: clinical testing. Allele origin: germline. Affected: yes.
Comment: Not observed at significant frequency in large population cohorts (gnomAD); Has not been previously published as pathogenic or benign to our knowledge; In-silico analysis is inconclusive as to whether the variant alters gene splicing. In the absence of RNA/functional studies, the actual effect of this sequence change is unknown.